The following is an entry in ClinVar:

NM_004612.4(TGFBR1):c.701T>G (p.Phe234Cys)

Gene: TGFBR1 (transforming growth factor beta receptor 1; plus strand). Cytogenetic location: 9q22.33.
Variant type: single nucleotide variant.
Coding change: c.701T>G on transcript NM_004612.4 (MANE Select); coding-DNA position 701, T replaced by G.
Protein change: p.Phe234Cys; replaces phenylalanine 234 with cysteine.
Molecular consequence: missense variant. On other transcripts: non-coding transcript variant (4), intron variant (2).
Genome position (GRCh38, 1-based): chr9:99,137,985, T>G. VCF-style: chr9-99137985-T-G. GRCh37 (hg19) VCF-style: chr9-101900267-T-G.
Other names: c.470T>G, p.Phe157Cys (NM_001130916.3); c.713T>G, p.Phe238Cys (NM_001306210.2, NM_001407416.1); c.701T>G, p.Phe234Cys (NM_001407417.1); c.506T>G, p.Phe169Cys (NM_001407418.1, NM_001407419.1, NM_001407420.1 and 1 more transcripts); c.494T>G, p.Phe165Cys (NM_001407423.1, NM_001407424.1, NM_001407425.1 and 8 more transcripts); c.455T>G, p.Phe152Cys (NM_001407436.1); c.224T>G, p.Phe75Cys (NM_001407438.1); c.575-4551T>G (NM_001407435.1); and 1 more; short protein forms F152C, F157C, F165C, F169C, F234C, F238C, F75C.
Identifiers: ClinVar variation 3072900 (VCV003072900.1), dbSNP rs2118715979, ClinGen allele CA374229730.

ClinVar aggregate classification (germline): Uncertain significance (1 of 4 stars; one submission).

Conditions:
Loeys-Dietz syndrome (LDS). Identifiers: Orphanet 60030, MedGen C2697932, MONDO:0018954.

Submission:

All of Us Research Program, National Institutes of Health
Classification: Uncertain significance for Loeys-Dietz syndrome. Last evaluated: 2023-08-15. Review status: criteria provided, single submitter. Criteria: ACMG Guidelines, 2015. Collection method: clinical testing. Allele origin: germline. Inheritance: Autosomal dominant inheritance. Observed: 1 variant allele, 1 heterozygote.
Comment: This missense variant replaces phenylalanine with cysteine at codon 234 of the TGFBR1 protein. Computational prediction suggests that this variant may have deleterious impact on protein structure and function (internally defined REVEL score threshold >= 0.7, PMID: 27666373). To our knowledge, functional studies have not been reported for this variant. This variant has not been reported in individuals affected with TGFBR1-related disorders in the literature. This variant has not been identified in the general population by the Genome Aggregation Database (gnomAD). The available evidence is insufficient to determine the role of this variant in disease conclusively. Therefore, this variant is classified as a Variant of Uncertain Significance.

This study involves interpretation of variants in research participants for the purpose of population health screening. Participant phenotype was not available at the time of variant classification. Additional details can be found in publication PMID: 35346344, PMCID: PMC8962531